The following is an entry in ClinVar:

ClinVar aggregate classification (germline): Conflicting classifications of pathogenicity. Review status: criteria provided, conflicting classifications (1 of 4 stars). 2 submissions from 2 submitters: Uncertain significance (1); Likely benign (1). Last evaluated 2026-01-30.

Allele frequency attached by ClinVar (database versions not stated): gnomAD 0.00001 and 0.00002; TOPMed 0.00004; gnomAD exomes 0.00005; ExAC 0.00011; 1000 Genomes Project 0.00020; 1000 Genomes Project 30x 0.00031.
gnomAD v4.1: 43 of 1,600,920 alleles (0.0027%); highest among the groups gnomAD compares: Admixed American, 0.01%; no homozygotes.

Submissions (2):

Labcorp Genetics (formerly Invitae), Labcorp
Classification: Uncertain significance. Last evaluated: 2026-01-30. Review status: criteria provided, single submitter. Criteria: Invitae Variant Classification Sherloc (09022015). Collection method: clinical testing. Allele origin: germline.
Comment: This sequence change replaces arginine, which is basic and polar, with glutamine, which is neutral and polar, at codon 1291 of the RIMS1 protein (p.Arg1291Gln). The frequency data for this variant in the population databases is considered unreliable, as metrics indicate poor data quality at this position in the gnomAD database. This variant has not been reported in the literature in individuals affected with RIMS1-related conditions. ClinVar contains an entry for this variant (Variation ID: 1443604). An algorithm developed to predict the effect of missense changes on protein structure and function (PolyPhen-2) suggests that this variant is likely to be tolerated. In summary, the available evidence is currently insufficient to determine the role of this variant in disease. Therefore, it has been classified as a Variant of Uncertain Significance.

Blueprint Genetics
Classification: Likely benign. Last evaluated: 2024-01-22. Review status: criteria provided, single submitter. Criteria: ACMG Guidelines, 2015. Collection method: clinical testing. Allele origin: germline.

NM_014989.7(RIMS1):c.3872G>A (p.Arg1291Gln)

Gene: RIMS1 (regulating synaptic membrane exocytosis 1; plus strand). Cytogenetic location: 6q13.
Variant type: single nucleotide variant.
Coding change: c.3872G>A on transcript NM_014989.7 (MANE Select); coding-DNA position 3872, G replaced by A.
Protein change: p.Arg1291Gln; replaces arginine 1291 with glutamine.
Molecular consequence: missense variant. On other transcripts: intron variant (24).
Genome position (GRCh38, 1-based): chr6:72,307,279, G>A. VCF-style: chr6-72307279-G-A. GRCh37 (hg19) VCF-style: chr6-73016982-G-A.
Other names: c.1832G>A, p.Arg611Gln (NM_001168407.2); c.1793G>A, p.Arg598Gln (NM_001350414.2); c.1916G>A, p.Arg639Gln (NM_001350415.2); c.1865G>A, p.Arg622Gln (NM_001350416.2); c.1838G>A, p.Arg613Gln (NM_001350418.2); c.1946G>A, p.Arg649Gln (NM_001350420.2); c.1691G>A, p.Arg564Gln (NM_001350421.2); c.1607G>A, p.Arg536Gln (NM_001350423.2, NM_001350444.2); and 51 more; short protein forms R1291Q, R571Q, R587Q, R592Q, R614Q, R673Q, R506Q, R522Q.
Identifiers: ClinVar variation 1443604 (VCV001443604.7), dbSNP rs183670898, ClinGen allele CA3886389.